The following is an entry in ClinVar:

NM_002972.4(SBF1):c.1118G>A (p.Arg373Gln)

Gene: SBF1 (SET binding factor 1; minus strand). Cytogenetic location: 22q13.33.
Variant type: single nucleotide variant.
Coding change: c.1118G>A on transcript NM_002972.4 (MANE Select); coding-DNA position 1118, G replaced by A.
Protein change: p.Arg373Gln; replaces arginine 373 with glutamine.
Molecular consequence: missense variant.
Genome position (GRCh38, 1-based): chr22:50,465,300, C>T on the plus strand (G>A on the coding strand, the complement: SBF1 is on the minus strand). VCF-style: chr22-50465300-C-T. GRCh37 (hg19) VCF-style: chr22-50903729-C-T.
Other names: c.1121G>A, p.Arg374Gln (NM_001365819.1, NM_001410794.1); c.1118G>A, p.Arg373Gln (NM_001410795.1, NM_197971.1); short protein forms R374Q, R373Q.
Identifiers: ClinVar variation 1968465 (VCV001968465.5), dbSNP rs760530196, ClinGen allele CA325534740.
Genomic context (GRCh38, chr22:50,465,300, plus strand): 5'-GGGTGGATGCGCACGACGTGCAGGCACCAGCGATAGCCCTGCAGCAGCTGAGCGAACAGC[C>T]GCAGGAAGACCGCGCGCAGCTCCTTGTCCTGGGAGAAGAGCTGAGTGCAGGTGAGAGCCA-3'
Protein context (NP_002963.2, residues 363-383): QDKELRAVFL[Arg373Gln]LFAQLLQGYR

ClinVar aggregate classification (germline): Uncertain significance (1 of 4 stars; one submission).

Allele frequency attached by ClinVar (database versions not stated): gnomAD exomes 0.00001.
gnomAD v4.1: 7 of 1,604,480 alleles (0.00044%); highest among the groups gnomAD compares: Admixed American, 0.0017%; no homozygotes.

Submission:

Labcorp Genetics (formerly Invitae), Labcorp
Classification: Uncertain significance. Last evaluated: 2024-10-29. Review status: criteria provided, single submitter. Criteria: Invitae Variant Classification Sherloc (09022015). Collection method: clinical testing. Allele origin: germline.
Comment: This sequence change replaces arginine, which is basic and polar, with glutamine, which is neutral and polar, at codon 373 of the SBF1 protein (p.Arg373Gln). The frequency data for this variant in the population databases is considered unreliable, as metrics indicate poor data quality at this position in the gnomAD database. This variant has not been reported in the literature in individuals affected with SBF1-related conditions. ClinVar contains an entry for this variant (Variation ID: 1968465). Invitae Evidence Modeling of protein sequence and biophysical properties (such as structural, functional, and spatial information, amino acid conservation, physicochemical variation, residue mobility, and thermodynamic stability) indicates that this missense variant is expected to disrupt SBF1 protein function with a positive predictive value of 80%. In summary, the available evidence is currently insufficient to determine the role of this variant in disease. Therefore, it has been classified as a Variant of Uncertain Significance.